The following is an entry in ClinVar:

ClinVar aggregate classification (germline): Uncertain significance (1 of 4 stars; one submission).

Submission:

Labcorp Genetics (formerly Invitae), Labcorp
Classification: Uncertain significance. Last evaluated: 2025-12-09. Review status: criteria provided, single submitter. Criteria: Invitae Variant Classification Sherloc (09022015). Collection method: clinical testing. Allele origin: germline.
Comment: This sequence change replaces leucine, which is neutral and non-polar, with phenylalanine, which is neutral and non-polar, at codon 476 of the LRRC8A protein (p.Leu476Phe). This variant is not present in population databases (gnomAD no frequency). This variant has not been reported in the literature in individuals affected with LRRC8A-related conditions. An algorithm developed to predict the effect of missense changes on protein structure and function (PolyPhen-2) suggests that this variant is likely to be disruptive. In summary, the available evidence is currently insufficient to determine the role of this variant in disease. Therefore, it has been classified as a Variant of Uncertain Significance.

NM_019594.4(LRRC8A):c.1426C>T (p.Leu476Phe)

Gene: LRRC8A (leucine rich repeat containing 8 VRAC subunit A; plus strand). Cytogenetic location: 9q34.11.
Variant type: single nucleotide variant.
Coding change: c.1426C>T on transcript NM_019594.4 (MANE Select); coding-DNA position 1426, C replaced by T.
Protein change: p.Leu476Phe; replaces leucine 476 with phenylalanine.
Molecular consequence: missense variant.
Genome position (GRCh38, 1-based): chr9:128,908,590, C>T. VCF-style: chr9-128908590-C-T. GRCh37 (hg19) VCF-style: chr9-131670869-C-T.
Other names: c.1426C>T, p.Leu476Phe (NM_001127244.2, NM_001127245.2); short protein forms L476F.
Identifiers: ClinVar variation 4754009 (VCV004754009.1).